The following is an entry in ClinVar:

NM_001851.6(COL9A1):c.685G>A (p.Val229Ile)

Gene: COL9A1 (collagen type IX alpha 1 chain; minus strand). Cytogenetic location: 6q13.
Variant type: single nucleotide variant.
Coding change: c.685G>A on transcript NM_001851.6 (MANE Select); coding-DNA position 685, G replaced by A.
Protein change: p.Val229Ile; replaces valine 229 with isoleucine.
Molecular consequence: missense variant.
Genome position (GRCh38, 1-based): chr6:70,294,178, C>T on the plus strand (G>A on the coding strand, the complement: COL9A1 is on the minus strand). VCF-style: chr6-70294178-C-T. GRCh37 (hg19) VCF-style: chr6-71003881-C-T.
Other names: c.685G>A, p.Val229Ile (NM_001377291.1); short protein forms V229I.
Identifiers: ClinVar variation 1020313 (VCV001020313.10), dbSNP rs372320539, ClinGen allele CA3882753.
Genomic context (GRCh38, chr6:70,294,178, plus strand): 5'-CCAATCTAGTTTTGCTTTAATCTGCCATAGTGTGTGGTTTTATACTTACTGGAACAGAAA[C>T]TTGAGGATTATCTGCAAGTTTTCCCAGCACAGCAAAGCCATCAATGTCAATTGGGCCTCT-3'
Protein context (NP_001842.3, residues 219-239): VLGKLADNPQ[Val229Ile]SVPFELQWML

ClinVar aggregate classification (germline): Conflicting classifications of pathogenicity. Review status: criteria provided, conflicting classifications (1 of 4 stars). 5 submissions from 5 submitters: Uncertain significance (4); Likely benign (1). Last evaluated 2025-12-02.

Conditions:
Inborn genetic diseases. Identifiers: MedGen C0950123, MeSH D030342.
Congenital heart disease (CHD). Identifiers: MedGen C0152021, MONDO:0005453. Disease mechanism: unknown.

Allele frequency attached by ClinVar (database versions not stated): gnomAD exomes 0.00003; TOPMed 0.00004; ESP Exome Variant Server 0.00008; ExAC 0.00004; gnomAD 0.00004.

Submissions (5):

Ambry Genetics
Classification: Uncertain significance for Inborn genetic diseases. Last evaluated: 2025-12-02. Review status: criteria provided, single submitter. Criteria: Ambry Variant Classification Scheme 2023. Collection method: clinical testing. Allele origin: germline.

Labcorp Genetics (formerly Invitae), Labcorp
Classification: Uncertain significance. Last evaluated: 2022-07-11. Review status: criteria provided, single submitter. Criteria: Invitae Variant Classification Sherloc (09022015). Collection method: clinical testing. Allele origin: germline.
Comment: This sequence change replaces valine, which is neutral and non-polar, with isoleucine, which is neutral and non-polar, at codon 229 of the COL9A1 protein (p.Val229Ile). This variant is present in population databases (rs372320539, gnomAD 0.007%). This variant has not been reported in the literature in individuals affected with COL9A1-related conditions. ClinVar contains an entry for this variant (Variation ID: 1020313). Advanced modeling of protein sequence and biophysical properties (such as structural, functional, and spatial information, amino acid conservation, physicochemical variation, residue mobility, and thermodynamic stability) performed at Invitae indicates that this missense variant is not expected to disrupt COL9A1 protein function. In summary, the available evidence is currently insufficient to determine the role of this variant in disease. Therefore, it has been classified as a Variant of Uncertain Significance.

Cambridge Genomics Laboratory, East Genomic Laboratory Hub, NHS Genomic Medicine Service
Classification: Likely benign for Congenital heart disease. Last evaluated: 2020-01-10. Review status: criteria provided, single submitter. Criteria: ACGS Best Practice Guidelines for Variant Classification in Rare Disease 2020. Collection method: clinical testing. Allele origin: germline. Affected: yes. Observed: 1 variant allele.

GeneDx
Classification: Uncertain significance. Last evaluated: 2019-06-12. Review status: criteria provided, single submitter. Criteria: GeneDx Variant Classification Process June 2021. Collection method: clinical testing. Allele origin: germline. Affected: yes.
Comment: Has not been previously published as pathogenic or benign to our knowledge; In silico analysis, which includes protein predictors and evolutionary conservation, supports that this variant does not alter protein structure/function

Blueprint Genetics
Classification: Uncertain significance. Last evaluated: 2019-01-29. Review status: criteria provided, single submitter. Criteria: ACMG Guidelines, 2015. Collection method: clinical testing. Allele origin: germline.